The following is an entry in ClinVar:

NM_003743.5(NCOA1):c.3712G>A (p.Val1238Ile)

Gene: NCOA1 (nuclear receptor coactivator 1; plus strand). Cytogenetic location: 2p23.3.
Variant type: single nucleotide variant.
Coding change: c.3712G>A on transcript NM_003743.5 (MANE Select); coding-DNA position 3712, G replaced by A.
Protein change: p.Val1238Ile; replaces valine 1238 with isoleucine.
Molecular consequence: missense variant.
Genome position (GRCh38, 1-based): chr2:24,751,987, G>A. VCF-style: chr2-24751987-G-A. GRCh37 (hg19) VCF-style: chr2-24974856-G-A.
Other names: c.3712G>A, p.Val1238Ile (NM_001362950.1, NM_001362952.1, NM_001362954.1 and 3 more transcripts); short protein forms V1238I.
Identifiers: ClinVar variation 3059014 (VCV003059014.2), dbSNP rs56099330, ClinGen allele CA1552700.

ClinVar aggregate classification (germline): Likely benign (0 of 4 stars; one submission).

Conditions:
NCOA1-related disorder. Also called: NCOA1-related condition.

Allele frequency attached by ClinVar (database versions not stated): gnomAD exomes 0.00006; ExAC 0.00016; ESP Exome Variant Server 0.00054; gnomAD 0.00070; TOPMed 0.00070; 1000 Genomes Project 30x 0.00078; 1000 Genomes Project 0.00080.
gnomAD v4.1: 202 of 1,607,498 alleles (0.013%); highest among the groups gnomAD compares: African/African-American, 0.24%; no homozygotes.

Submission:

PreventionGenetics, part of Exact Sciences
Classification: Likely benign for NCOA1-related condition. Last evaluated: 2023-01-27. Review status: no assertion criteria provided. Collection method: clinical testing. Allele origin: germline.
Comment: This variant is classified as likely benign based on ACMG/AMP sequence variant interpretation guidelines (Richards et al. 2015 PMID: 25741868, with internal and published modifications).